The following is an entry in ClinVar:

ClinVar aggregate classification (germline): Uncertain significance (1 of 4 stars; one submission).

Allele frequency attached by ClinVar (database versions not stated): gnomAD exomes 0.00001.
gnomAD v4.1: 13 of 1,613,930 alleles (0.00081%); highest among the groups gnomAD compares: South Asian, 0.0011%; no homozygotes.

Submission:

Labcorp Genetics (formerly Invitae), Labcorp
Classification: Uncertain significance. Last evaluated: 2025-11-24. Review status: criteria provided, single submitter. Criteria: Invitae Variant Classification Sherloc (09022015). Collection method: clinical testing. Allele origin: germline.
Comment: This sequence change replaces serine, which is neutral and polar, with leucine, which is neutral and non-polar, at codon 1401 of the DISP1 protein (p.Ser1401Leu). This variant is not present in population databases (gnomAD no frequency). This variant has not been reported in the literature in individuals affected with DISP1-related conditions. ClinVar contains an entry for this variant (Variation ID: 2899460). An algorithm developed to predict the effect of missense changes on protein structure and function (PolyPhen-2) suggests that this variant is likely to be tolerated. In summary, the available evidence is currently insufficient to determine the role of this variant in disease. Therefore, it has been classified as a Variant of Uncertain Significance.

NM_001377229.1(DISP1):c.4202C>T (p.Ser1401Leu)

Gene: DISP1 (dispatched RND transporter family member 1; plus strand). Cytogenetic location: 1q41.
Variant type: single nucleotide variant.
Coding change: c.4202C>T on transcript NM_001377229.1 (MANE Select); coding-DNA position 4202, C replaced by T.
Protein change: p.Ser1401Leu; replaces serine 1401 with leucine.
Molecular consequence: missense variant.
Genome position (GRCh38, 1-based): chr1:223,005,599, C>T. VCF-style: chr1-223005599-C-T. GRCh37 (hg19) VCF-style: chr1-223178941-C-T.
Other names: c.3473C>T, p.Ser1158Leu (NM_001350630.2); c.4202C>T, p.Ser1401Leu (NM_001369594.1, NM_001377228.1, NM_032890.5); short protein forms S1401L, S1158L.
Identifiers: ClinVar variation 2899460 (VCV002899460.3), dbSNP rs1679849493, ClinGen allele CA344693646.
Genomic context (GRCh38, chr1:223,005,599, plus strand): 5'-TAGAAGAGCATCTTCCAAAGATGGCAGAGCCATCGTCATTTGTCTGCAGAAGCACTGGAT[C>T]GTTACTCAAAACGTGTTGCGACCCCGAGAATAAACAAAGGGAACTCTGTAAAAATAGAGA-3'
Protein context (NP_001364158.1, residues 1391-1411): PSSFVCRSTG[Ser1401Leu]LLKTCCDPEN